The following is an entry in ClinVar:

NM_004484.4(GPC3):c.869T>C (p.Val290Ala)

Gene: GPC3 (glypican 3; minus strand). Cytogenetic location: Xq26.2.
Variant type: single nucleotide variant.
Coding change: c.869T>C on transcript NM_004484.4 (MANE Select); coding-DNA position 869, T replaced by C.
Protein change: p.Val290Ala; replaces valine 290 with alanine.
Molecular consequence: missense variant.
Genome position (GRCh38, 1-based): chrX:133,753,645, A>G on the plus strand (T>C on the coding strand, the complement: GPC3 is on the minus strand). VCF-style: chrX-133753645-A-G. GRCh37 (hg19) VCF-style: chrX-132887672-A-G.
Other names: c.869T>C, p.Val290Ala (NM_001164617.2); c.821T>C, p.Val274Ala (NM_001164618.2); c.707T>C, p.Val236Ala (NM_001164619.2); short protein forms V274A, V236A, V290A.
Identifiers: ClinVar variation 1046914 (VCV001046914.9), dbSNP rs1244073847, ClinGen allele CA414705472.

ClinVar aggregate classification (germline): Uncertain significance (1 of 4 stars; one submission).

Conditions:
Wilms tumor 1 (WT1). Also called: Wilms tumor, somatic. Identifiers: Orphanet 654, MedGen CN033288, MONDO:0008679, OMIM 194070.

Submission:

Labcorp Genetics (formerly Invitae), Labcorp
Classification: Uncertain significance for Wilms tumor 1. Last evaluated: 2022-03-05. Review status: criteria provided, single submitter. Criteria: Invitae Variant Classification Sherloc (09022015). Collection method: clinical testing. Allele origin: germline.
Comment: ClinVar contains an entry for this variant (Variation ID: 1046914). Algorithms developed to predict the effect of missense changes on protein structure and function (SIFT, PolyPhen-2, Align-GVGD) all suggest that this variant is likely to be tolerated. In summary, the available evidence is currently insufficient to determine the role of this variant in disease. Therefore, it has been classified as a Variant of Uncertain Significance. This sequence change replaces valine, which is neutral and non-polar, with alanine, which is neutral and non-polar, at codon 290 of the GPC3 protein (p.Val290Ala). This variant is not present in population databases (gnomAD no frequency). This variant has not been reported in the literature in individuals affected with GPC3-related conditions.